The following is an entry in ClinVar:

ClinVar aggregate classification (germline): Likely benign. Review status: criteria provided, single submitter (1 of 4 stars). 2 submissions from 2 submitters: Likely benign (1). 1 of the submissions does not count toward it. Last evaluated 2024-11-13.

Conditions:
POLR2A-related disorder. Also called: POLR2A-related condition.

Submissions (2):

Blueprint Genetics
Classification: Likely benign. Last evaluated: 2024-11-13. Review status: criteria provided, single submitter. Criteria: ACMG Guidelines, 2015. Collection method: clinical testing. Allele origin: germline.

PreventionGenetics, part of Exact Sciences
Classification: Likely benign for POLR2A-related condition. Last evaluated: 2019-11-25. Review status: no assertion criteria provided. Collection method: clinical testing. Allele origin: germline. Not counted in ClinVar's aggregate classification.
Comment: This variant is classified as likely benign based on ACMG/AMP sequence variant interpretation guidelines (Richards et al. 2015 PMID: 25741868, with internal and published modifications).

NM_000937.5(POLR2A):c.4607-15TC[2]

Gene: POLR2A (RNA polymerase II subunit A; plus strand). Cytogenetic location: 17p13.1.
Variant type: Microsatellite.
Coding change: c.4607-15TC[2] on transcript NM_000937.5 (MANE Select); two copies in a row of the 2-base unit TC starting at c.4607-15; the reference has three copies in a row; one copy, 2 bases deleted.
Molecular consequence: intron variant.
Genome position (GRCh38, 1-based): chr17:7,512,763-7,512,764, TC deleted; deleting any 2 consecutive bases within chr17:7,512,759-7,512,764 gives the same sequence; the position shown is the placement nearest the transcript's 3' end. VCF-style (leftmost placement, unchanged base first): chr17-7512758-TTC-T. GRCh37 (hg19) VCF-style: chr17-7416077-TTC-T.
Identifiers: ClinVar variation 3055599 (VCV003055599.3), dbSNP rs369697657, ClinGen allele CA8350355.